The following is an entry in ClinVar:

NM_020987.5(ANK3):c.12214G>A (p.Gly4072Ser)

Gene: ANK3 (ankyrin 3; minus strand). Cytogenetic location: 10q21.2.
Variant type: single nucleotide variant.
Coding change: c.12214G>A on transcript NM_020987.5 (MANE Select); coding-DNA position 12214, G replaced by A.
Protein change: p.Gly4072Ser; replaces glycine 4072 with serine.
Molecular consequence: missense variant. On other transcripts: intron variant (4).
Genome position (GRCh38, 1-based): chr10:60,068,667, C>T on the plus strand (G>A on the coding strand, the complement: ANK3 is on the minus strand). VCF-style: chr10-60068667-C-T. GRCh37 (hg19) VCF-style: chr10-61828425-C-T.
Other names: c.4388-658G>A (NM_001204403.2); c.4409-658G>A (NM_001204404.2); c.4406-658G>A (NM_001320874.2); c.1808-658G>A (NM_001149.4); c.12214G>A (NM_020987.3); short protein forms G4072S.
Identifiers: ClinVar variation 3715679 (VCV003715679.4).

ClinVar aggregate classification (germline): Uncertain significance. Review status: criteria provided, multiple submitters, no conflicts (2 of 4 stars). 2 submissions from 2 submitters: Uncertain significance (2). Last evaluated 2026-10-22.

gnomAD v4.1: 199 of 1,611,930 alleles (0.012%); highest among the groups gnomAD compares: Admixed American, 0.023%; no homozygotes.

Submissions (2):

GeneDx
Classification: Uncertain significance. Last evaluated: 2026-10-22. Review status: criteria provided, single submitter. Criteria: GeneDx Variant Classification Process June 2021. Collection method: clinical testing. Allele origin: germline.
Comment: In silico analysis suggests that this missense variant does not alter protein structure/function; Has not been previously published as pathogenic or benign to our knowledge

Labcorp Genetics (formerly Invitae), Labcorp
Classification: Uncertain significance. Last evaluated: 2025-06-11. Review status: criteria provided, single submitter. Criteria: Invitae Variant Classification Sherloc (09022015). Collection method: clinical testing. Allele origin: germline.
Comment: This sequence change replaces glycine, which is neutral and non-polar, with serine, which is neutral and polar, at codon 4072 of the ANK3 protein (p.Gly4072Ser). This variant is present in population databases (rs140830125, gnomAD 0.01%). This variant has not been reported in the literature in individuals affected with ANK3-related conditions. ClinVar contains an entry for this variant (Variation ID: 3715679). An algorithm developed to predict the effect of missense changes on protein structure and function (PolyPhen-2) suggests that this variant is likely to be tolerated. In summary, the available evidence is currently insufficient to determine the role of this variant in disease. Therefore, it has been classified as a Variant of Uncertain Significance.